The following is an entry in ClinVar:

NM_015512.5(DNAH1):c.773C>T (p.Pro258Leu)

Gene: DNAH1 (dynein axonemal heavy chain 1; plus strand). Cytogenetic location: 3p21.1.
Variant type: single nucleotide variant.
Coding change: c.773C>T on transcript NM_015512.5 (MANE Select); coding-DNA position 773, C replaced by T.
Protein change: p.Pro258Leu; replaces proline 258 with leucine.
Molecular consequence: missense variant.
Genome position (GRCh38, 1-based): chr3:52,327,916, C>T. VCF-style: chr3-52327916-C-T. GRCh37 (hg19) VCF-style: chr3-52361932-C-T.
Other names: short protein forms P258L.
Identifiers: ClinVar variation 1970126 (VCV001970126.5), dbSNP rs1701408869, ClinGen allele CA353089682.

ClinVar aggregate classification (germline): Uncertain significance (1 of 4 stars; one submission).

Conditions:
Spermatogenic failure 18. Identifiers: MedGen C4539783, MONDO:0054615, OMIM 617576.
Ciliary dyskinesia, primary, 37 (CILD37). Also called: CILIARY DYSKINESIA, PRIMARY, 37, WITH OR WITHOUT SITUS INVERSUS. Identifiers: MedGen C4539798, MONDO:0033204, OMIM 617577.

Allele frequency attached by ClinVar (database versions not stated): TOPMed below 0.00001; gnomAD exomes 0.00001.
gnomAD v4.1: 9 of 1,613,862 alleles (0.00056%); highest among the groups gnomAD compares: Non-Finnish European, 0.00068%; no homozygotes.

Submission:

Labcorp Genetics (formerly Invitae), Labcorp
Classification: Uncertain significance for Ciliary dyskinesia, primary, 37; Spermatogenic failure 18. Last evaluated: 2022-09-29. Review status: criteria provided, single submitter. Criteria: Invitae Variant Classification Sherloc (09022015). Collection method: clinical testing. Allele origin: germline.
Comment: This sequence change replaces proline, which is neutral and non-polar, with leucine, which is neutral and non-polar, at codon 258 of the DNAH1 protein (p.Pro258Leu). In summary, the available evidence is currently insufficient to determine the role of this variant in disease. Therefore, it has been classified as a Variant of Uncertain Significance. Algorithms developed to predict the effect of missense changes on protein structure and function are either unavailable or do not agree on the potential impact of this missense change (SIFT: "Deleterious"; PolyPhen-2: "Possibly Damaging"; Align-GVGD: "Class C0"). This variant has not been reported in the literature in individuals affected with DNAH1-related conditions. This variant is not present in population databases (gnomAD no frequency).